The following is an entry in ClinVar:

NM_001042492.3(NF1):c.7355G>C (p.Arg2452Pro)

Gene: NF1 (neurofibromin 1; plus strand). Cytogenetic location: 17q11.2.
Variant type: single nucleotide variant.
Coding change: c.7355G>C on transcript NM_001042492.3 (MANE Select); coding-DNA position 7355, G replaced by C.
Protein change: p.Arg2452Pro; replaces arginine 2452 with proline.
Molecular consequence: missense variant.
Genome position (GRCh38, 1-based): chr17:31,350,216, G>C. VCF-style: chr17-31350216-G-C. GRCh37 (hg19) VCF-style: chr17-29677234-G-C.
Other names: c.7292G>C, p.Arg2431Pro (NM_000267.4); short protein forms R2452P, R2431P.
Identifiers: ClinVar variation 2123751 (VCV002123751.4), dbSNP rs1555536122, ClinGen allele CA399017011.
Genomic context (GRCh38, chr17:31,350,216, plus strand): 5'-TTTAACCTGCCACCGTTTTCCTTTTAGCTTTACTTACAGTGTCTGAAGAAGTTCGAAGTC[G>C]CTGCAGCCTAAAACATAGAAAGTCACTTCTTCTTACTGATATTTCAATGGAAAATGTTCC-3'
Protein context (NP_001035957.1, residues 2442-2462): LLTVSEEVRS[Arg2452Pro]CSLKHRKSLL

ClinVar aggregate classification (germline): Uncertain significance (1 of 4 stars; one submission).

Conditions:
Neurofibromatosis, type 1 (NF1). Also called: Peripheral type neurofibromatosis; NEUROFIBROMATOSIS, TYPE I, SOMATIC; Neurofibromatosis, type I; VON RECKLINGHAUSEN DISEASE. Identifiers: Orphanet 636, MedGen C0027831, MONDO:0018975, OMIM 162200. Disease mechanism: loss of function.

Submission:

Labcorp Genetics (formerly Invitae), Labcorp
Classification: Uncertain significance for Neurofibromatosis, type 1. Last evaluated: 2023-09-06. Review status: criteria provided, single submitter. Criteria: Invitae Variant Classification Sherloc (09022015). Collection method: clinical testing. Allele origin: germline.
Comment: This sequence change replaces arginine, which is basic and polar, with proline, which is neutral and non-polar, at codon 2431 of the NF1 protein (p.Arg2431Pro). This variant is not present in population databases (gnomAD no frequency). In summary, the available evidence is currently insufficient to determine the role of this variant in disease. Therefore, it has been classified as a Variant of Uncertain Significance. Advanced modeling of protein sequence and biophysical properties (such as structural, functional, and spatial information, amino acid conservation, physicochemical variation, residue mobility, and thermodynamic stability) performed at Invitae indicates that this missense variant is expected to disrupt NF1 protein function. ClinVar contains an entry for this variant (Variation ID: 2123751). This variant has not been reported in the literature in individuals affected with NF1-related conditions.